The following is an entry in ClinVar:

NM_206933.4(USH2A):c.10387+1G>A

Gene: USH2A (usherin; minus strand). Cytogenetic location: 1q41.
Variant type: single nucleotide variant.
Coding change: c.10387+1G>A on transcript NM_206933.4 (MANE Select); the canonical splice donor site of the intron after coding-DNA position 10387, G replaced by A.
Molecular consequence: splice donor variant.
Genome position (GRCh38, 1-based): chr1:215,786,669, C>T on the plus strand (G>A on the coding strand, the complement: USH2A is on the minus strand). VCF-style: chr1-215786669-C-T. GRCh37 (hg19) VCF-style: chr1-215960011-C-T.
Identifiers: ClinVar variation 2814622 (VCV002814622.4), dbSNP rs2464407470, ClinGen allele CA344839522.

ClinVar aggregate classification (germline): Likely pathogenic. Review status: criteria provided, multiple submitters, no conflicts (2 of 4 stars). 2 submissions from 2 submitters: Likely pathogenic (2). Last evaluated 2023-04-18.

Conditions:
USH2A-related disorder. Also called: USH2A-related condition; USH2A-related disorders. Identifiers: MedGen CN239332.

Submissions (2):

Blueprint Genetics
Classification: Likely pathogenic for USH2A-related disorders. Last evaluated: 2023-04-18. Review status: criteria provided, single submitter. Criteria: ACMG Guidelines, 2015. Collection method: clinical testing. Allele origin: germline. Affected: yes. Observed: 1 variant allele.

Labcorp Genetics (formerly Invitae), Labcorp
Classification: Likely pathogenic. Last evaluated: 2022-11-24. Review status: criteria provided, single submitter. Criteria: Invitae Variant Classification Sherloc (09022015). Collection method: clinical testing. Allele origin: germline.
Comment: In summary, the currently available evidence indicates that the variant is pathogenic, but additional data are needed to prove that conclusively. Therefore, this variant has been classified as Likely Pathogenic. This variant has not been reported in the literature in individuals affected with USH2A-related conditions. This variant is not present in population databases (gnomAD no frequency). This sequence change affects a donor splice site in intron 52 of the USH2A gene. It is expected to disrupt RNA splicing. Variants that disrupt the donor or acceptor splice site typically lead to a loss of protein function (PMID: 16199547), and loss-of-function variants in USH2A are known to be pathogenic (PMID: 10729113, 10909849, 20507924, 25649381).

Literature cited by the submitters: PubMed 16199547 (cited by Labcorp Genetics (formerly Invitae), Labcorp); PubMed 10729113 (cited by Labcorp Genetics (formerly Invitae), Labcorp); PubMed 10909849 (cited by Labcorp Genetics (formerly Invitae), Labcorp); PubMed 20507924 (cited by Labcorp Genetics (formerly Invitae), Labcorp); PubMed 25649381 (cited by Labcorp Genetics (formerly Invitae), Labcorp).